The following is an entry in ClinVar:

ClinVar aggregate classification (germline): Uncertain significance. Review status: criteria provided, multiple submitters, no conflicts (2 of 4 stars). 3 submissions from 3 submitters: Uncertain significance (3). Last evaluated 2025-11-05.

Conditions:
Hereditary cancer-predisposing syndrome. Also called: Hereditary Cancer Syndrome; Hereditary neoplastic syndrome; Neoplastic Syndromes, Hereditary; Tumor predisposition. Identifiers: Orphanet 140162, MedGen C0027672, MeSH D009386, MONDO:0015356.
Familial adenomatous polyposis 1 (FAP1). Also called: FAMILIAL ADENOMATOUS POLYPOSIS 1, ATTENUATED; POLYPOSIS, ADENOMATOUS INTESTINAL. Identifiers: MedGen C2713442, MONDO:0021056, OMIM 175100. Disease mechanism: loss of function.

Submissions (3):

Labcorp Genetics (formerly Invitae), Labcorp
Classification: Uncertain significance for Familial adenomatous polyposis 1. Last evaluated: 2025-11-05. Review status: criteria provided, single submitter. Criteria: Invitae Variant Classification Sherloc (09022015). Collection method: clinical testing. Allele origin: germline.
Comment: This sequence change replaces proline, which is neutral and non-polar, with leucine, which is neutral and non-polar, at codon 1775 of the APC protein (p.Pro1775Leu). This variant is not present in population databases (gnomAD no frequency). This variant has not been reported in the literature in individuals affected with APC-related conditions. ClinVar contains an entry for this variant (Variation ID: 1692247). Invitae Evidence Modeling of protein sequence and biophysical properties (such as structural, functional, and spatial information, amino acid conservation, physicochemical variation, residue mobility, and thermodynamic stability) indicates that this missense variant is not expected to disrupt APC protein function with a negative predictive value of 95%. In summary, the available evidence is currently insufficient to determine the role of this variant in disease. Therefore, it has been classified as a Variant of Uncertain Significance.

Ambry Genetics
Classification: Uncertain significance for Hereditary cancer-predisposing syndrome. Last evaluated: 2024-11-06. Review status: criteria provided, single submitter. Criteria: Ambry Variant Classification Scheme 2023. Collection method: clinical testing. Allele origin: germline.
Comment: The p.P1775L variant (also known as c.5324C>T), located in coding exon 15 of the APC gene, results from a C to T substitution at nucleotide position 5324. The proline at codon 1775 is replaced by leucine, an amino acid with similar properties. This amino acid position is highly conserved in available vertebrate species. In addition, in silico predictors for this gene do not accurately predict pathogenicity. Missense alterations in APC are not a common cause of disease (Spier I et al. Genet Med. 2024 Feb;26(2):100992). Based on the available evidence, the clinical significance of this variant remains unclear.

Sema4
Classification: Uncertain significance for Hereditary cancer-predisposing syndrome. Last evaluated: 2022-02-04. Review status: criteria provided, single submitter. Criteria: Sema4 Curation Guidelines. Collection method: curation. Allele origin: germline.
Comment: To the best of our knowledge, the APC c.5324C>T (p.P1775L) variant has not been reported in individuals with APC-related disease. It was not observed in the large and broad cohorts of the Genome Aggregation Database (PMID: 32461654), nor has it been reported in ClinVar. Functional studies have not been performed, and in silico predictions of the variant's effect on protein function are inconclusive. The evidence is insufficient to meet ACMG/AMP criteria for classifying the variant as benign or pathogenic. Thus, the clinical significance of this variant is currently uncertain.

NM_000038.6(APC):c.5324C>T (p.Pro1775Leu)

Gene: APC (APC regulator of Wnt signaling pathway; plus strand). Cytogenetic location: 5q22.2.
Variant type: single nucleotide variant.
Coding change: c.5324C>T on transcript NM_000038.6 (MANE Select); coding-DNA position 5324, C replaced by T.
Protein change: p.Pro1775Leu; replaces proline 1775 with leucine.
Molecular consequence: missense variant.
Genome position (GRCh38, 1-based): chr5:112,840,918, C>T. VCF-style: chr5-112840918-C-T. GRCh37 (hg19) VCF-style: chr5-112176615-C-T.
Other names: c.5324C>T, p.Pro1775Leu (NM_001127510.3, NM_001354895.2); c.5270C>T, p.Pro1757Leu (NM_001127511.3); c.5378C>T, p.Pro1793Leu (NM_001354896.2); c.5354C>T, p.Pro1785Leu (NM_001354897.2); c.5249C>T, p.Pro1750Leu (NM_001354898.2); c.5240C>T, p.Pro1747Leu (NM_001354899.2); c.5201C>T, p.Pro1734Leu (NM_001354900.2); c.5147C>T, p.Pro1716Leu (NM_001354901.2); and 5 more; short protein forms P1492L, P1615L, P1649L, P1674L, P1684L, P1716L, P1734L, P1747L.
Identifiers: ClinVar variation 1692247 (VCV001692247.5), dbSNP rs2149937522, ClinGen allele CA16032973.